The following is an entry in ClinVar:

ClinVar aggregate classification (germline): Conflicting classifications of pathogenicity. Review status: criteria provided, conflicting classifications (1 of 4 stars). 6 submissions from 6 submitters: Uncertain significance (2); Benign (1); Likely benign (2). 1 of the submissions does not count toward it. Last evaluated 2026-01-22.

Conditions:
ASPM-related disorder. Also called: ASPM-related condition.
Microcephaly 5, primary, autosomal recessive (MCPH5). Also called: ASPM Primary Microcephaly. Identifiers: Orphanet 2512, MedGen C1837501, MONDO:0012106, OMIM 608716.

Allele frequency attached by ClinVar (database versions not stated): gnomAD exomes 0.00029 and 0.00061; ExAC 0.00075; gnomAD 0.00267 and 0.00284; TOPMed 0.00314; ESP Exome Variant Server 0.00315; 1000 Genomes Project 0.00319; 1000 Genomes Project 30x 0.00344.
gnomAD v4.1: 838 of 1,613,766 alleles (0.052%); highest among the groups gnomAD compares: African/African-American, 1%; 3 homozygotes.

Submissions (8):

Labcorp Genetics (formerly Invitae), Labcorp
Classification: Benign. Last evaluated: 2026-01-22. Review status: criteria provided, single submitter. Criteria: Invitae Variant Classification Sherloc (09022015). Collection method: clinical testing. Allele origin: germline.

CeGaT Center for Human Genetics Tuebingen
Classification: Likely benign. Last evaluated: 2022-06-01. Review status: criteria provided, single submitter. Criteria: CeGaT Center For Human Genetics Tuebingen Variant Classification Criteria Version 2. Collection method: clinical testing. Allele origin: germline. Affected: yes. Observed: 1 variant allele.
Comment: ASPM: PP3, BS2

GeneDx
Classification: Uncertain significance. Last evaluated: 2017-09-26. Review status: criteria provided, single submitter. Criteria: GeneDx Variant Classification (06012015). Collection method: clinical testing. Allele origin: germline. Affected: yes.
Comment: The c.3599-4 A>G variant has not been published as a mutation, nor has it been reported as a benign polymorphism to our knowledge. The NHLBI Exome Sequencing Project reports c.3599-4 A>G was observed in 40/4404 (0.9%) alleles from individuals of African American background. Additionally, the 1000 Genomes Project reports it was observed in 3/448 (0.7%) alleles from individuals of African background and in 1/196 (0.5%) alleles from individuals of Italian background, indicating it may be a rare (benign) variant in these populations. Several in-silico splice prediction models predict that c.3599-4 A>G creates a cryptic acceptor site which may supplant or damage the natural acceptor site and lead to abnormal gene splicing. However, in the absence of RNA/functional studies, the actual effect of this sequence change in this individual is unknown. Therefore, based on the currently available information, it is unclear whether this variant is a pathogenic mutation or a rare benign variant.

Eurofins Ntd Llc (ga)
Classification: Likely benign. Last evaluated: 2016-01-29. Review status: criteria provided, single submitter. Criteria: EGL Classification Definitions 2015. Collection method: clinical testing. Allele origin: germline. Observed: 1 variant allele, 1 heterozygote.

Genetic Services Laboratory, University of Chicago
Classification: Uncertain significance for Microcephaly 5, primary, autosomal recessive. Last evaluated: 2013-02-08. Review status: criteria provided, single submitter. Criteria: ACMG Guidelines, 2007. Collection method: clinical testing. Allele origin: germline. Inheritance: Autosomal recessive inheritance.

PreventionGenetics, part of Exact Sciences
Classification: Likely benign for ASPM-related condition. Last evaluated: 2019-03-15. Review status: no assertion criteria provided. Collection method: clinical testing. Allele origin: germline. Not counted in ClinVar's aggregate classification.
Comment: This variant is classified as likely benign based on ACMG/AMP sequence variant interpretation guidelines (Richards et al. 2015 PMID: 25741868, with internal and published modifications).

Dr. Peter K. Rogan Lab, Western University
No classification provided (evidence only). Condition: Clear cell carcinoma of kidney. Review status: no classification provided. Collection method: in vitro. Allele origin: not applicable. Functional consequence: retained intron. Not counted in ClinVar's aggregate classification.

Dr. Peter K. Rogan Lab, Western University
No classification provided (evidence only). Condition: Familial cancer of breast. Review status: no classification provided. Collection method: in vitro. Allele origin: not applicable. Functional consequence: retained intron. Not counted in ClinVar's aggregate classification.

NM_018136.5(ASPM):c.3599-4A>G

Gene: ASPM (assembly factor for spindle microtubules; minus strand). Cytogenetic location: 1q31.3.
Variant type: single nucleotide variant.
Coding change: c.3599-4A>G on transcript NM_018136.5 (MANE Select); 4 bases into the intron before coding-DNA position 3599, A replaced by G.
Molecular consequence: intron variant.
Genome position (GRCh38, 1-based): chr1:197,122,305, T>C on the plus strand (A>G on the coding strand, the complement: ASPM is on the minus strand). VCF-style: chr1-197122305-T-C. GRCh37 (hg19) VCF-style: chr1-197091435-T-C.
Other names: c.3599-4A>G (NM_001206846.2).
Identifiers: ClinVar variation 157805 (VCV000157805.46), dbSNP rs149303254, ClinGen allele CA271028.